The following is an entry in ClinVar:

ClinVar aggregate classification (germline): Uncertain significance (1 of 4 stars; one submission).

Conditions:
Hypertrophic cardiomyopathy 26. Also called: Cardiomyopathy, familial hypertrophic, 26. Identifiers: Orphanet 75249, MedGen C4310749, MONDO:0014883, OMIM 617047.
Myofibrillar myopathy 5. Also called: Filaminopathy (type); FILAMINOPATHY, AUTOSOMAL DOMINANT. Identifiers: Orphanet 171445, MedGen C1836050, MONDO:0012289, OMIM 609524.
Distal myopathy with posterior leg and anterior hand involvement. Also called: WILLIAMS DISTAL MYOPATHY. Identifiers: Orphanet 63273, MedGen C3279722, MONDO:0013550, OMIM 614065.

Submission:

Labcorp Genetics (formerly Invitae), Labcorp
Classification: Uncertain significance for Distal myopathy with posterior leg and anterior hand involvement; Myofibrillar myopathy 5; Hypertrophic cardiomyopathy 26. Last evaluated: 2022-11-23. Review status: criteria provided, single submitter. Criteria: Invitae Variant Classification Sherloc (09022015). Collection method: clinical testing. Allele origin: germline.
Comment: This sequence change replaces glycine, which is neutral and non-polar, with aspartic acid, which is acidic and polar, at codon 2343 of the FLNC protein (p.Gly2343Asp). This variant is not present in population databases (gnomAD no frequency). This variant has not been reported in the literature in individuals affected with FLNC-related conditions. Algorithms developed to predict the effect of missense changes on protein structure and function (SIFT, PolyPhen-2, Align-GVGD) all suggest that this variant is likely to be disruptive. In summary, the available evidence is currently insufficient to determine the role of this variant in disease. Therefore, it has been classified as a Variant of Uncertain Significance.

NM_001458.5(FLNC):c.7028G>A (p.Gly2343Asp)

Genes: FLNC (filamin C; plus strand), FLNC-AS1 (FLNC antisense RNA 1; minus strand). Cytogenetic location: 7q32.1.
Variant type: single nucleotide variant.
Coding change: c.7028G>A on transcript NM_001458.5 (MANE Select); coding-DNA position 7028, G replaced by A.
Protein change: p.Gly2343Asp; replaces glycine 2343 with aspartic acid.
Molecular consequence: missense variant.
Genome position (GRCh38, 1-based): chr7:128,854,805, G>A. VCF-style: chr7-128854805-G-A. GRCh37 (hg19) VCF-style: chr7-128494859-G-A.
Other names: c.6929G>A, p.Gly2310Asp (NM_001127487.2); short protein forms G2343D, G2310D.
Identifiers: ClinVar variation 2941746 (VCV002941746.3), dbSNP rs2536665871, ClinGen allele CA369214980.